The following is an entry in ClinVar:

NM_005631.5(SMO):c.596G>A (p.Arg199Gln)

Gene: SMO (smoothened, frizzled class receptor; plus strand). Cytogenetic location: 7q32.1.
Variant type: single nucleotide variant.
Coding change: c.596G>A on transcript NM_005631.5 (MANE Select); coding-DNA position 596, G replaced by A.
Protein change: p.Arg199Gln; replaces arginine 199 with glutamine.
Molecular consequence: missense variant.
Genome position (GRCh38, 1-based): chr7:129,205,261, G>A. VCF-style: chr7-129205261-G-A. GRCh37 (hg19) VCF-style: chr7-128845102-G-A.
Other names: short protein forms R199Q.
Identifiers: ClinVar variation 2673128 (VCV002673128.23), dbSNP rs759466401, ClinGen allele CA4479147.

ClinVar aggregate classification (germline): Uncertain significance (1 of 4 stars; one submission).

Allele frequency attached by ClinVar (database versions not stated): ExAC 0.00002; gnomAD 0.00003.
gnomAD v4.1: 21 of 1,614,076 alleles (0.0013%); highest among the groups gnomAD compares: African/African-American, 0.012%; no homozygotes.

Submission:

CeGaT Center for Human Genetics Tuebingen
Classification: Uncertain significance. Last evaluated: 2023-12-01. Review status: criteria provided, single submitter. Criteria: CeGaT Center For Human Genetics Tuebingen Variant Classification Criteria Version 2. Collection method: clinical testing. Allele origin: germline. Affected: yes. Observed: 1 variant allele.
Comment: SMO: PM2